The following is an entry in ClinVar:

NM_024408.4(NOTCH2):c.7071G>C (p.Met2357Ile)

Gene: NOTCH2 (notch receptor 2; minus strand). Cytogenetic location: 1p12.
Variant type: single nucleotide variant.
Coding change: c.7071G>C on transcript NM_024408.4 (MANE Select); coding-DNA position 7071, G replaced by C.
Protein change: p.Met2357Ile; replaces methionine 2357 with isoleucine.
Molecular consequence: missense variant.
Genome position (GRCh38, 1-based): chr1:119,915,651, C>G on the plus strand (G>C on the coding strand, the complement: NOTCH2 is on the minus strand). VCF-style: chr1-119915651-C-G. GRCh37 (hg19) VCF-style: chr1-120458274-C-G.
Other names: short protein forms M2357I.
Identifiers: ClinVar variation 4975545 (VCV004975545.1).

ClinVar aggregate classification (germline): Uncertain significance (1 of 4 stars; one submission).

Submission:

GeneDx
Classification: Uncertain significance. Last evaluated: 2026-01-22. Review status: criteria provided, single submitter. Criteria: GeneDx Variant Classification Process June 2021. Collection method: clinical testing. Allele origin: germline.
Comment: Not observed at significant frequency in large population cohorts (gnomAD); In silico analysis suggests that this missense variant does not alter protein structure/function; Has not been previously published as pathogenic or benign to our knowledge